The following is an entry in ClinVar:

ClinVar aggregate classification (germline): Conflicting classifications of pathogenicity. Review status: criteria provided, conflicting classifications (1 of 4 stars). 3 submissions from 3 submitters: Pathogenic (1); Likely pathogenic (1); Uncertain significance (1). Last evaluated 2023-11-27.

Conditions:
Charcot-Marie-Tooth disease type 1F. Also called: Charcot-Marie-Tooth disease, demyelinating, type 1f; CHARCOT-MARIE-TOOTH NEUROPATHY, TYPE 1F. Identifiers: Orphanet 101085, MedGen C1843164, MONDO:0011902, OMIM 607734.
Charcot-Marie-Tooth disease, dominant intermediate G. Identifiers: MedGen C4693509, MONDO:0036484, OMIM 617882.
Charcot-Marie-Tooth disease type 2E (CMT2E). Also called: CHARCOT-MARIE-TOOTH DISEASE, AXONAL, TYPE 2E; CHARCOT-MARIE-TOOTH NEUROPATHY, TYPE 2E. Identifiers: Orphanet 99939, MedGen C1843225, MONDO:0011894, OMIM 607684.

Submissions (3):

Athena Diagnostics
Classification: Likely pathogenic. Last evaluated: 2023-11-27. Review status: criteria provided, single submitter. Criteria: Athena Diagnostics Criteria. Collection method: clinical testing. Allele origin: unknown.
Comment: This variant has been identified in at least one individual with clinical features of autosomal dominant CMT. This variant has not been reported in large, multi-ethnic general populations. Multiple missense variants at this codon have been reported in individuals with clinical features associated with this gene. At least one of those variants is considered to be pathogenic or likely pathogenic, suggesting this variant also causes disease. Computational tools predict that this variant is damaging.

Labcorp Genetics (formerly Invitae), Labcorp
Classification: Uncertain significance for Charcot-Marie-Tooth disease type 2E. Last evaluated: 2022-09-26. Review status: criteria provided, single submitter. Criteria: Invitae Variant Classification Sherloc (09022015). Collection method: clinical testing. Allele origin: germline.
Comment: This sequence change replaces proline, which is neutral and non-polar, with histidine, which is basic and polar, at codon 22 of the NEFL protein (p.Pro22His). This variant is not present in population databases (gnomAD no frequency). This missense change has been observed in individuals with clinical features of autosomal dominant NEFL-related conditions (Invitae). ClinVar contains an entry for this variant (Variation ID: 219429). This variant disrupts the p.Pro22 amino acid residue in NEFL. Other variant(s) that disrupt this residue have been determined to be pathogenic (PMID: 12481988, 15111691, 16452125, 19286384, 21168446). This suggests that this residue is clinically significant, and that variants that disrupt this residue are likely to be disease-causing. In summary, the available evidence is currently insufficient to determine the role of this variant in disease. Therefore, it has been classified as a Variant of Uncertain Significance.

Juno Genomics, Hangzhou Juno Genomics, Inc
Classification: Pathogenic for Charcot-Marie-Tooth disease, dominant intermediate G; Charcot-Marie-Tooth disease type 1F; Charcot-Marie-Tooth disease type 2E. Review status: criteria provided, single submitter. Criteria: ACMG Guidelines, 2015. Collection method: clinical testing. Allele origin: germline. Affected: yes.
Comment: Absent from controls (or at extremely low frequency if recessive) in Genome Aggregation Database, Exome Sequencing Project, 1000 Genomes Project, or Exome Aggregation Consortium.;Novel missense change at an amino acid residue where a different missense change determined to be pathogenic has been seen before.;Multiple lines of computational evidence support a deleterious effect on the gene or gene product (conservation, evolutionary, splicing impact, etc).;Patient's phenotype or family history is highly specific for a disease with a single genetic etiology.;The prevalence of the variant in affected individuals is significantly increased compared to the prevalence in controls.

Literature cited by the submitters: PubMed 31947737 (cited by Athena Diagnostics); PubMed 12481988 (cited by Labcorp Genetics (formerly Invitae), Labcorp); PubMed 15111691 (cited by Labcorp Genetics (formerly Invitae), Labcorp); PubMed 16452125 (cited by Labcorp Genetics (formerly Invitae), Labcorp); PubMed 19286384 (cited by Labcorp Genetics (formerly Invitae), Labcorp); PubMed 21168446 (cited by Labcorp Genetics (formerly Invitae), Labcorp).

NM_006158.5(NEFL):c.65C>A (p.Pro22His)

Gene: NEFL (neurofilament light chain; minus strand). Cytogenetic location: 8p21.2.
Variant type: single nucleotide variant.
Coding change: c.65C>A on transcript NM_006158.5 (MANE Select); coding-DNA position 65, C replaced by A.
Protein change: p.Pro22His; replaces proline 22 with histidine.
Molecular consequence: missense variant.
Genome position (GRCh38, 1-based): chr8:24,956,451, G>T on the plus strand (C>A on the coding strand, the complement: NEFL is on the minus strand). VCF-style: chr8-24956451-G-T. GRCh37 (hg19) VCF-style: chr8-24813965-G-T.
Other names: short protein forms P22H.
Identifiers: ClinVar variation 219429 (VCV000219429.8), dbSNP rs267607538, ClinGen allele CA349198.